The following is an entry in ClinVar:

ClinVar aggregate classification (somatic clinical impact): Tier I - Strong (1 of 4 stars; one submission).

Conditions:
Central nervous system germinoma. Identifiers: MedGen C1333813, MONDO:0002999.

Submission:

Institute for Genomic Medicine (IGM) Clinical Laboratory, Nationwide Children's Hospital
Classification: Tier I - Strong for Central nervous system germinoma. Assertion type: diagnostic. Clinical significance: supports diagnosis. Last evaluated: 2025-10-23. Review status: criteria provided, single submitter. Criteria: AMP/ASCO/CAP Guidelines, 2017. Collection method: clinical testing. Allele origin: somatic. Affected: yes.
Comment: Variant has Tier I (strong) clinical significance as a diagnostic inclusion criterion in central nervous system germinoma, based on the following evidence: 1) Documented in one or more cancer databases (e.g., St. Jude Pecan, COSMIC, CIViC, OncoKB). 2) Appears in one or more well-established professional guidelines (e.g., World Health Organization [WHO]; National Comprehensive Cancer Network [NCCN]) as providing diagnostic, prognostic, or therapeutic information. 3) Information in the literature supports potential biologic effect of variant (PMIDs: 25435369, 16741525, 23803604). 4) Diagnostic for a specific tumor type/classification based on well-powered studies with expert-level consensus (Evidence Level B; PMIDs: 24452629, 24896186, 27391150, 32999426, 32721511).

Literature cited by the submitters: PubMed 25435369; PubMed 16741525; PubMed 23803604; PubMed 24452629; PubMed 24896186; PubMed 27391150; PubMed 32999426; PubMed 32721511.

NM_000222.3(KIT):c.2467T>G (p.Tyr823Asp)

Gene: KIT (KIT proto-oncogene, receptor tyrosine kinase; plus strand). Cytogenetic location: 4q12.
Variant type: single nucleotide variant.
Coding change: c.2467T>G on transcript NM_000222.3 (MANE Select); coding-DNA position 2467, T replaced by G.
Protein change: p.Tyr823Asp; replaces tyrosine 823 with aspartic acid.
Molecular consequence: missense variant.
Genome position (GRCh38, 1-based): chr4:54,733,175, T>G. VCF-style: chr4-54733175-T-G. GRCh37 (hg19) VCF-style: chr4-55599341-T-G.
Other names: c.2455T>G, p.Tyr819Asp (NM_001093772.2, NM_001385292.1); c.2470T>G, p.Tyr824Asp (NM_001385284.1); c.2464T>G, p.Tyr822Asp (NM_001385285.1); c.2452T>G, p.Tyr818Asp (NM_001385286.1); c.2458T>G, p.Tyr820Asp (NM_001385288.1); c.2467T>G, p.Tyr823Asp (NM_001385290.1); short protein forms Y823D, Y819D, Y824D, Y818D, Y820D, Y822D.
Identifiers: ClinVar variation 4530494 (VCV004530494.1), dbSNP rs1057519761.
Genomic context (GRCh38, chr4:54,733,175, plus strand): 5'-GGTCGGATCACAAAGATTTGTGATTTTGGTCTAGCCAGAGACATCAAGAATGATTCTAAT[T>G]ATGTGGTTAAAGGAAACGTGAGTACCCATTCTCTGCTTGACAGTCCTGCAAAGGATTTTT-3'
Protein context (NP_000213.1, residues 813-833): LARDIKNDSN[Tyr823Asp]VVKGNARLPV